The following is an entry in ClinVar:

ClinVar aggregate classification (germline): Uncertain significance. Review status: criteria provided, multiple submitters, no conflicts (2 of 4 stars). 2 submissions from 2 submitters: Uncertain significance (2). Last evaluated 2023-09-04.

gnomAD v4.1: 1 of 1,613,018 alleles (0.000062%); no homozygotes.

Submissions (2):

Ambry Genetics
Classification: Uncertain significance. Last evaluated: 2023-09-04. Review status: criteria provided, single submitter. Criteria: Ambry Variant Classification Scheme 2023. Collection method: clinical testing. Allele origin: germline.
Comment: The p.Q326R variant (also known as c.977A>G), located in coding exon 7 of the RINT1 gene, results from an A to G substitution at nucleotide position 977. The glutamine at codon 326 is replaced by arginine, an amino acid with highly similar properties. This amino acid position is well conserved in available vertebrate species. In addition, this alteration is predicted to be tolerated by in silico analysis. Since supporting evidence is limited at this time, the clinical significance of this alteration remains unclear.

Labcorp Genetics (formerly Invitae), Labcorp
Classification: Uncertain significance. Last evaluated: 2022-05-10. Review status: criteria provided, single submitter. Criteria: Invitae Variant Classification Sherloc (09022015). Collection method: clinical testing. Allele origin: germline.
Comment: This sequence change replaces glutamine, which is neutral and polar, with arginine, which is basic and polar, at codon 326 of the RINT1 protein (p.Gln326Arg). In summary, the available evidence is currently insufficient to determine the role of this variant in disease. Therefore, it has been classified as a Variant of Uncertain Significance. Algorithms developed to predict the effect of missense changes on protein structure and function are either unavailable or do not agree on the potential impact of this missense change (SIFT: "Tolerated"; PolyPhen-2: "Possibly Damaging"; Align-GVGD: "Class C0"). This variant has not been reported in the literature in individuals affected with RINT1-related conditions. This variant is not present in population databases (gnomAD no frequency).

NM_021930.6(RINT1):c.977A>G (p.Gln326Arg)

Gene: RINT1 (RAD50 interactor 1; plus strand). Cytogenetic location: 7q22.3.
Variant type: single nucleotide variant.
Coding change: c.977A>G on transcript NM_021930.6 (MANE Select); coding-DNA position 977, A replaced by G.
Protein change: p.Gln326Arg; replaces glutamine 326 with arginine.
Molecular consequence: missense variant. On other transcripts: 5 prime UTR variant (1), non-coding transcript variant (1), intron variant (1).
Genome position (GRCh38, 1-based): chr7:105,548,691, A>G. VCF-style: chr7-105548691-A-G. GRCh37 (hg19) VCF-style: chr7-105189138-A-G.
Other names: c.743A>G, p.Gln248Arg (NM_001346599.2); c.-43A>G (NM_001346600.2); c.53A>G, p.Gln18Arg (NM_001346601.2); c.-27-1364A>G (NM_001346603.2); short protein forms Q248R, Q326R, Q18R.
Identifiers: ClinVar variation 1768156 (VCV001768156.8), dbSNP rs2485128134, ClinGen allele CA368808110.